The following is an entry in ClinVar:

NM_006949.4(STXBP2):c.902+5G>A

Gene: STXBP2 (syntaxin binding protein 2; plus strand). Cytogenetic location: 19p13.2.
Variant type: single nucleotide variant.
Coding change: c.902+5G>A on transcript NM_006949.4 (MANE Select); 5 bases into the intron after coding-DNA position 902, G replaced by A.
Molecular consequence: intron variant.
Genome position (GRCh38, 1-based): chr19:7,642,541, G>A. VCF-style: chr19-7642541-G-A. GRCh37 (hg19) VCF-style: chr19-7707427-G-A.
Other names: IVSDS, G-A, +5; c.902+5G>A (NM_006949.3); c.935+5G>A (NM_001272034.2); c.893+5G>A (NM_001127396.3).
Identifiers: ClinVar variation 1184438 (VCV001184438.11), dbSNP rs768725365, ClinGen allele CA9143828.

ClinVar aggregate classification (germline): Pathogenic/Likely pathogenic. Review status: criteria provided, multiple submitters, no conflicts (2 of 4 stars). 4 submissions from 4 submitters: Pathogenic (2); Likely pathogenic (1). 1 of the submissions does not count toward it. Last evaluated 2025-02-27.

Conditions:
Familial hemophagocytic lymphohistiocytosis (FHL). Also called: Familial erythrophagocytic lymphohistiocytosis; Familial histiocytic reticulosis; Hereditary hemophagocytic lymphohistiocytosis. Identifiers: Orphanet 158038, Orphanet 540, MedGen C0272199, MONDO:0015541.
Familial hemophagocytic lymphohistiocytosis 5. Also called: STXBP2-Related Familial Hemophagocytic Lymphohistiocytosis (STXBP2-fHLH). Identifiers: Orphanet 540, MedGen C2751293, MONDO:0013135, OMIM 613101.

Allele frequency attached by ClinVar (database versions not stated): gnomAD 0.00002; gnomAD exomes 0.00002 and 0.00004; TOPMed 0.00002; ExAC 0.00007.
gnomAD v4.1: 32 of 1,613,376 alleles (0.002%); highest among the groups gnomAD compares: Non-Finnish European, 0.0026%; no homozygotes.

Submissions (4):

Labcorp Genetics (formerly Invitae), Labcorp
Classification: Pathogenic for Familial hemophagocytic lymphohistiocytosis 5. Last evaluated: 2025-02-27. Review status: criteria provided, single submitter. Criteria: Invitae Variant Classification Sherloc (09022015). Collection method: clinical testing. Allele origin: germline.
Comment: This sequence change falls in intron 10 of the STXBP2 gene. It does not directly change the encoded amino acid sequence of the STXBP2 protein. It affects a nucleotide within the consensus splice site. This variant is present in population databases (rs768725365, gnomAD 0.007%). This variant has been observed in individuals with autosomal recessive hemophagocytic lymphohistiocytosis (PMID: 20558610, 28724787, 32542393, 34330684). ClinVar contains an entry for this variant (Variation ID: 1184438). Variants that disrupt the consensus splice site are a relatively common cause of aberrant splicing (PMID: 17576681, 9536098). Algorithms developed to predict the effect of sequence changes on RNA splicing suggest that this variant may disrupt the consensus splice site. For these reasons, this variant has been classified as Pathogenic.

Women's Health and Genetics/Laboratory Corporation of America, LabCorp
Classification: Pathogenic for Familial hemophagocytic lymphohistiocytosis. Last evaluated: 2023-06-16. Review status: criteria provided, single submitter. Criteria: LabCorp Variant Classification Summary - May 2015. Collection method: clinical testing. Allele origin: germline.
Comment: Variant summary: STXBP2 c.902+5G>A alters a nucleotide located close to a canonical splice site and therefore could affect mRNA splicing, leading to a significantly altered protein sequence. Several computational tools predict a significant impact on normal splicing: Four predict the variant abolishes a 5' splicing donor site. However, these predictions have yet to be confirmed by functional studies. The variant allele was found at a frequency of 3.6e-05 in 250968 control chromosomes. c.902+5G>A has been reported in the literature as a homozygous and compound heterozygous genotype in multiple individuals affected with Hemophagocytic Lymphohistiocytosis (Examples: Gadoury-Levesque_2020, Cakir_2021, Vogel_2017, Meeths_2010). These data indicate that the variant is very likely to be associated with disease. To our knowledge, no experimental evidence demonstrating an impact on protein function has been reported. The following publications have been ascertained in the context of this evaluation (PMID: 34330684, 32542393, 20558610, 28724787). Two clinical diagnostic laboratories have submitted clinical-significance assessments for this variant to ClinVar after 2014 and all laboratories classified the variant as pathogenic/likely pathogenic. Based on the evidence outlined above, the variant was classified as pathogenic.

Clinical Genetics Laboratory, Skane University Hospital Lund
Classification: Likely pathogenic. Last evaluated: 2022-08-08. Review status: criteria provided, single submitter. Criteria: ACMG Guidelines, 2015. Collection method: clinical testing. Allele origin: germline. Affected: yes.

OMIM
Classification: Pathogenic for HEMOPHAGOCYTIC LYMPHOHISTIOCYTOSIS, FAMILIAL, 5, WITH MICROVILLUS INCLUSION DISEASE. Last evaluated: 2021-07-23. Review status: no assertion criteria provided. Collection method: literature only. Allele origin: germline. Not counted in ClinVar's aggregate classification.

Literature cited by the submitters: PubMed 20558610 (cited by Labcorp Genetics (formerly Invitae), Labcorp and Women's Health and Genetics/Laboratory Corporation of America, LabCorp); PubMed 28724787 (cited by 3 submitters); PubMed 32542393 (cited by Labcorp Genetics (formerly Invitae), Labcorp and Women's Health and Genetics/Laboratory Corporation of America, LabCorp); PubMed 34330684 (cited by Labcorp Genetics (formerly Invitae), Labcorp and Women's Health and Genetics/Laboratory Corporation of America, LabCorp); PubMed 17576681 (cited by Labcorp Genetics (formerly Invitae), Labcorp); PubMed 9536098 (cited by Labcorp Genetics (formerly Invitae), Labcorp).